The following is an entry in ClinVar:

NM_002637.4(PHKA1):c.*1275A>G

Gene: PHKA1 (phosphorylase kinase regulatory subunit alpha 1; minus strand). Cytogenetic location: Xq13.1.
Variant type: single nucleotide variant.
Coding change: c.*1275A>G on transcript NM_002637.4 (MANE Select); 1275 bases downstream of the stop codon, A replaced by G.
Molecular consequence: 3 prime UTR variant.
Genome position (GRCh38, 1-based): chrX:72,579,727, T>C on the plus strand (A>G on the coding strand, the complement: PHKA1 is on the minus strand). VCF-style: chrX-72579727-T-C. GRCh37 (hg19) VCF-style: chrX-71799577-T-C.
Other names: c.*1275A>G (NM_001122670.2, NM_001172436.2).
Identifiers: ClinVar variation 368632 (VCV000368632.29), dbSNP rs782306248, ClinGen allele CA10654051.
Genomic context (GRCh38, chrX:72,579,727, plus strand): 5'-ATGTAGATACAGATTGATATACAGACACATCAAAACTGCTTACATTCAGAAAAATTCCCA[T>C]GTATGCTTATACACACACACACACACACACACACATACACACACAAATATGTGTCTTTAT-3'

ClinVar aggregate classification (germline): Conflicting classifications of pathogenicity. Review status: criteria provided, conflicting classifications (1 of 4 stars). 2 submissions from 2 submitters: Uncertain significance (1); Likely benign (1). Last evaluated 2022-12-01.

Conditions:
Glycogen storage disease IXd (GSD9D). Also called: Muscle Phosphorylase Kinase Deficiency; GSD IXd. Identifiers: Orphanet 715, MedGen C1845151, MONDO:0010362, OMIM 300559.

Allele frequency attached by ClinVar (database versions not stated): TOPMed 0.00053; gnomAD 0.00065 and 0.00069.

Submissions (2):

CeGaT Center for Human Genetics Tuebingen
Classification: Likely benign. Last evaluated: 2022-12-01. Review status: criteria provided, single submitter. Criteria: CeGaT Center For Human Genetics Tuebingen Variant Classification Criteria Version 2. Collection method: clinical testing. Allele origin: germline. Affected: yes. Observed: 1 variant allele.
Comment: PHKA1: BS2

Illumina Laboratory Services, Illumina
Classification: Uncertain significance for Glycogen storage disease IXd. Last evaluated: 2018-01-12. Review status: criteria provided, single submitter. Criteria: ICSL Variant Classification Criteria 13 December 2019. Collection method: clinical testing. Allele origin: germline.